The following is an entry in ClinVar:

ClinVar aggregate classification (germline): Uncertain significance (1 of 4 stars; one submission).

Conditions:
Fanconi anemia (FA). Also called: Fanconi's anemia. Identifiers: Orphanet 84, MedGen C0015625, MeSH D005199, MONDO:0019391.

Submission:

Labcorp Genetics (formerly Invitae), Labcorp
Classification: Uncertain significance for Fanconi anemia. Last evaluated: 2025-10-20. Review status: criteria provided, single submitter. Criteria: Invitae Variant Classification Sherloc (09022015). Collection method: clinical testing. Allele origin: germline.
Comment: This sequence change replaces isoleucine, which is neutral and non-polar, with valine, which is neutral and non-polar, at codon 285 of the FANCD2 protein (p.Ile285Val). This variant is not present in population databases (gnomAD no frequency). This variant has not been reported in the literature in individuals affected with FANCD2-related conditions. ClinVar contains an entry for this variant (Variation ID: 1403844). Invitae Evidence Modeling of protein sequence and biophysical properties (such as structural, functional, and spatial information, amino acid conservation, physicochemical variation, residue mobility, and thermodynamic stability) indicates that this missense variant is not expected to disrupt FANCD2 protein function with a negative predictive value of 80%. In summary, the available evidence is currently insufficient to determine the role of this variant in disease. Therefore, it has been classified as a Variant of Uncertain Significance.

NM_001018115.3(FANCD2):c.853A>G (p.Ile285Val)

Genes: FANCD2 (FA complementation group D2; plus strand), LOC107303338 (3p25 FANCD2 Alu-mediated recombination region; plus strand). Cytogenetic location: 3p25.3.
Variant type: single nucleotide variant.
Coding change: c.853A>G on transcript NM_001018115.3 (MANE Select); coding-DNA position 853, A replaced by G.
Protein change: p.Ile285Val; replaces isoleucine 285 with valine.
Molecular consequence: missense variant.
Genome position (GRCh38, 1-based): chr3:10,042,628, A>G. VCF-style: chr3-10042628-A-G. GRCh37 (hg19) VCF-style: chr3-10084312-A-G.
Other names: c.853A>G, p.Ile285Val (NM_001319984.2, NM_001374253.1, NM_001374254.1 and 1 more transcripts); short protein forms I285V.
Identifiers: ClinVar variation 1403844 (VCV001403844.6), dbSNP rs2124991389, ClinGen allele CA351728754.